The following is an entry in ClinVar:

NM_000400.4(ERCC2):c.2236T>A (p.Ser746Thr)

Gene: ERCC2 (ERCC excision repair 2, TFIIH core complex helicase subunit; minus strand). Cytogenetic location: 19q13.32.
Variant type: single nucleotide variant.
Coding change: c.2236T>A on transcript NM_000400.4 (MANE Select); coding-DNA position 2236, T replaced by A.
Protein change: p.Ser746Thr; replaces serine 746 with threonine.
Molecular consequence: missense variant.
Genome position (GRCh38, 1-based): chr19:45,351,676, A>T on the plus strand (T>A on the coding strand, the complement: ERCC2 is on the minus strand). VCF-style: chr19-45351676-A-T. GRCh37 (hg19) VCF-style: chr19-45854934-A-T.
Other names: short protein forms S746T.
Identifiers: ClinVar variation 1788198 (VCV001788198.2), dbSNP rs1351814547, ClinGen allele CA406360405.

ClinVar aggregate classification (germline): Uncertain significance (1 of 4 stars; one submission).

Conditions:
Inborn genetic diseases. Identifiers: MedGen C0950123, MeSH D030342.

Submission:

Ambry Genetics
Classification: Uncertain significance for Inborn genetic diseases. Last evaluated: 2022-09-03. Review status: criteria provided, single submitter. Criteria: Ambry Variant Classification Scheme 2023. Collection method: clinical testing. Allele origin: germline.
Comment: The p.S746T variant (also known as c.2236T>A), located in coding exon 23 of the ERCC2 gene, results from a T to A substitution at nucleotide position 2236. The serine at codon 746 is replaced by threonine, an amino acid with similar properties. This amino acid position is conserved. In addition, the in silico prediction for this alteration is inconclusive. Since supporting evidence is limited at this time, the clinical significance of this alteration remains unclear.